The following is an entry in ClinVar:

ClinVar aggregate classification (germline): Likely pathogenic (1 of 4 stars; one submission).

Conditions:
Asphyxiating thoracic dystrophy 3. Also called: POLYDACTYLY WITH NEONATAL CHONDRODYSTROPHY, TYPE I; SHORT-RIB THORACIC DYSPLASIA 3/6 WITH POLYDACTYLY, DIGENIC; SHORT-RIB THORACIC DYSPLASIA 3 WITH OR WITHOUT POLYDACTYLY; Saldino-Noonan Syndrome; Short rib polydactyly syndrome 2B. Identifiers: Orphanet 474, Orphanet 93269, Orphanet 93270, Orphanet 93271, MedGen C0036069, MONDO:0013127, OMIM 613091.

Submission:

Juno Genomics, Hangzhou Juno Genomics, Inc
Classification: Likely pathogenic for Asphyxiating thoracic dystrophy 3. Review status: criteria provided, single submitter. Criteria: ACMG Guidelines, 2015. Collection method: clinical testing. Allele origin: germline.
Comment: Null variant in a gene where loss of function (LOF) is a known mechanism of disease.;Absent from controls (or at extremely low frequency if recessive) in Genome Aggregation Database.

NM_001377.3(DYNC2H1):c.12640C>T (p.Gln4214Ter)

Gene: DYNC2H1 (dynein cytoplasmic 2 heavy chain 1; plus strand). Cytogenetic location: 11q22.3.
Variant type: single nucleotide variant.
Coding change: c.12640C>T on transcript NM_001377.3 (MANE Select); coding-DNA position 12640, C replaced by T.
Protein change: p.Gln4214Ter; replaces glutamine 4214 with a stop codon.
Molecular consequence: nonsense.
Genome position (GRCh38, 1-based): chr11:103,456,348, C>T. VCF-style: chr11-103456348-C-T. GRCh37 (hg19) VCF-style: chr11-103327076-C-T.
Other names: c.12661C>T, p.Gln4221Ter (NM_001080463.2); short protein forms Q4214*, Q4221*.
Identifiers: ClinVar variation 5037960 (VCV005037960.2).